The following is an entry in ClinVar:

NM_153766.3(KCNJ1):c.626G>A (p.Gly209Glu)

Gene: KCNJ1 (potassium inwardly rectifying channel subfamily J member 1; minus strand). Cytogenetic location: 11q24.3.
Variant type: single nucleotide variant.
Coding change: c.626G>A on transcript NM_153766.3 (MANE Select); coding-DNA position 626, G replaced by A.
Protein change: p.Gly209Glu; replaces glycine 209 with glutamic acid.
Molecular consequence: missense variant.
Genome position (GRCh38, 1-based): chr11:128,839,618, C>T on the plus strand (G>A on the coding strand, the complement: KCNJ1 is on the minus strand). VCF-style: chr11-128839618-C-T. GRCh37 (hg19) VCF-style: chr11-128709513-C-T.
Other names: c.683G>A, p.Gly228Glu (NM_000220.6); c.626G>A, p.Gly209Glu (NM_153764.3, NM_153767.4); c.677G>A, p.Gly226Glu (NM_153765.3); short protein forms G209E, G228E, G226E.
Identifiers: ClinVar variation 631654 (VCV000631654.7), dbSNP rs761781140, ClinGen allele CA230628371.
Genomic context (GRCh38, chr11:128,839,618, plus strand): 5'-TTGATCTGGTCCAAAATAATGGTCTCTCCTTCAGGAGTGACTGTGGTCTTCAGAAGCTTT[C>T]CATAAATGTGACTGCCAATAAGAAGGCTCTTCCTGAGATTAGCCACTCGGATTAGGAGGC-3'
Protein context (NP_722450.1, residues 199-219): KSLLIGSHIY[Gly209Glu]KLLKTTVTPE

ClinVar aggregate classification (germline): Uncertain significance. Review status: criteria provided, multiple submitters, no conflicts (2 of 4 stars). 2 submissions from 2 submitters: Uncertain significance (2). Last evaluated 2024-06-20.

Conditions:
Bartter disease type 2. Also called: Bartter syndrome, type 2, antenatal; HYPERPROSTAGLANDIN E SYNDROME 2; HYPOKALEMIC ALKALOSIS WITH HYPERCALCIURIA 2, ANTENATAL. Identifiers: Orphanet 112, Orphanet 620220, MedGen C1855849, MONDO:0009424, OMIM 241200.

Allele frequency attached by ClinVar (database versions not stated): TOPMed 0.00002; gnomAD 0.00003.
gnomAD v4.1: 60 of 1,613,848 alleles (0.0037%); highest among the groups gnomAD compares: Non-Finnish European, 0.005%; no homozygotes.

Submissions (2):

Labcorp Genetics (formerly Invitae), Labcorp
Classification: Uncertain significance. Last evaluated: 2024-06-20. Review status: criteria provided, single submitter. Criteria: Invitae Variant Classification Sherloc (09022015). Collection method: clinical testing. Allele origin: germline.
Comment: This sequence change replaces glycine, which is neutral and non-polar, with glutamic acid, which is acidic and polar, at codon 228 of the KCNJ1 protein (p.Gly228Glu). This variant is present in population databases (no rsID available, gnomAD 0.002%). This missense change has been observed in individuals with clinical features of Bartter syndrome (PMID: 18391953, 19096086, 22245519). This variant is also known as c.626G>A; p.G209E. ClinVar contains an entry for this variant (Variation ID: 631654). An algorithm developed to predict the effect of missense changes on protein structure and function (PolyPhen-2) suggests that this variant is likely to be disruptive. In summary, the available evidence is currently insufficient to determine the role of this variant in disease. Therefore, it has been classified as a Variant of Uncertain Significance.

Fulgent Genetics
Classification: Uncertain significance for Bartter disease type 2. Last evaluated: 2024-01-09. Review status: criteria provided, single submitter. Criteria: ACMG Guidelines, 2015. Collection method: clinical testing. Allele origin: germline.

Literature cited by the submitters: PubMed 18391953 (cited by Labcorp Genetics (formerly Invitae), Labcorp); PubMed 19096086 (cited by Labcorp Genetics (formerly Invitae), Labcorp); PubMed 22245519 (cited by Labcorp Genetics (formerly Invitae), Labcorp).